The following is an entry in ClinVar:

NM_004813.4(PEX16):c.215A>G (p.Lys72Arg)

Gene: PEX16 (peroxisomal biogenesis factor 16; minus strand). Cytogenetic location: 11p11.2.
Variant type: single nucleotide variant.
Coding change: c.215A>G on transcript NM_004813.4 (MANE Select); coding-DNA position 215, A replaced by G.
Protein change: p.Lys72Arg; replaces lysine 72 with arginine.
Molecular consequence: missense variant.
Genome position (GRCh38, 1-based): chr11:45,916,237, T>C on the plus strand (A>G on the coding strand, the complement: PEX16 is on the minus strand). VCF-style: chr11-45916237-T-C. GRCh37 (hg19) VCF-style: chr11-45937788-T-C.
Other names: c.215A>G, p.Lys72Arg (NM_057174.3); short protein forms K72R.
Identifiers: ClinVar variation 3731430 (VCV003731430.1).
Genomic context (GRCh38, chr11:45,916,237, plus strand): 5'-TCATTCCTGAGTCCCCATGCTTCCCACCCTGTTCTTGGCAGAATTCTCACCACAGGCAAC[T>C]TTTTCCGAAGCTCCTTCCGTAGGATCCCGTCATTGAGCAGCACAAGCAGGTTAGAGGCAG-3'
Protein context (NP_004804.2, residues 62-82): DGILRKELRK[Lys72Arg]LPVSLSQQKL

ClinVar aggregate classification (germline): Uncertain significance (1 of 4 stars; one submission).

Conditions:
Peroxisome biogenesis disorder 8B (PBD8B). Identifiers: Orphanet 44, MedGen C3553960, MONDO:0013943, OMIM 614877.

Submission:

Neuberg Centre For Genomic Medicine, NCGM
Classification: Uncertain significance for Peroxisome biogenesis disorder 8B. Last evaluated: 2023-06-22. Review status: criteria provided, single submitter. Criteria: ACMG Guidelines, 2015. Collection method: clinical testing. Allele origin: germline. Inheritance: Autosomal recessive inheritance. Affected: yes.
Comment: The missense variant c.215A>G (p.Lys72Arg) in the PEX16 gene has not been reported previously as a pathogenic variant nor as a benign variant, to our knowledge. This variant is absent in the gnomAD Exomes. The amino acid Lys at position 72 is changed to a Arg changing protein sequence and it might alter its composition and physico-chemical properties. Computational evidence (Polyphen, SIFT and MutationTaster) predicts conflicting evidence on protein structure and function for this variant. The amino acid change p.Lys72Arg in PEX16 is predicted as conserved by GERP++ and PhyloP across 100 vertebrates. For these reasons, this variant has been classified as Uncertain Significance.